The following is an entry in ClinVar:

NM_000465.4(BARD1):c.1736C>T (p.Ser579Leu)

Gene: BARD1 (BRCA1 associated RING domain 1; minus strand). Cytogenetic location: 2q35.
Variant type: single nucleotide variant.
Coding change: c.1736C>T on transcript NM_000465.4 (MANE Select); coding-DNA position 1736, C replaced by T.
Protein change: p.Ser579Leu; replaces serine 579 with leucine.
Molecular consequence: missense variant. On other transcripts: non-coding transcript variant (3), intron variant (1).
Genome position (GRCh38, 1-based): chr2:214,745,796, G>A on the plus strand (C>T on the coding strand, the complement: BARD1 is on the minus strand). VCF-style: chr2-214745796-G-A. GRCh37 (hg19) VCF-style: chr2-215610520-G-A.
Other names: c.1736C>T (NM_000465.2); c.1679C>T, p.Ser560Leu (NM_001282543.2); c.383C>T, p.Ser128Leu (NM_001282545.2); c.326C>T, p.Ser109Leu (NM_001282548.2); c.365-15288C>T (NM_001282549.2); short protein forms S109L, S128L, S560L, S579L.
Identifiers: ClinVar variation 2445357 (VCV002445357.3), dbSNP rs2469342920, ClinGen allele CA350453063.

ClinVar aggregate classification (germline): Conflicting classifications of pathogenicity. Review status: criteria provided, conflicting classifications (1 of 4 stars). 2 submissions from 2 submitters: Likely pathogenic (1); Uncertain significance (1). Last evaluated 2024-02-02.

Conditions:
Hereditary cancer-predisposing syndrome. Also called: Neoplastic Syndromes, Hereditary; Hereditary Cancer Syndrome; Tumor predisposition; Hereditary neoplastic syndrome. Identifiers: Orphanet 140162, MedGen C0027672, MeSH D009386, MONDO:0015356.
Ovarian cancer. Also called: OVARIAN CANCER, SOMATIC. Identifiers: Orphanet 213500, MedGen C1140680, MONDO:0008170, OMIM 167000.

Submissions (2):

Ambry Genetics
Classification: Uncertain significance for Hereditary cancer-predisposing syndrome. Last evaluated: 2024-02-02. Review status: criteria provided, single submitter. Criteria: Ambry Variant Classification Scheme 2023. Collection method: clinical testing. Allele origin: germline.
Comment: The p.S579L variant (also known as c.1736C>T), located in coding exon 8 of the BARD1 gene, results from a C to T substitution at nucleotide position 1736. The serine at codon 579 is replaced by leucine, an amino acid with dissimilar properties. This amino acid position is conserved. In addition, the in silico prediction for this alteration is inconclusive. Based on the available evidence, the clinical significance of this alteration remains unclear.

Laboratory of Molecular Epidemiology of Birth Defects, West China Second University Hospital, Sichuan University
Classification: Likely pathogenic for Ovarian cancer. Last evaluated: 2022-01-01. Review status: criteria provided, single submitter. Criteria: ACMG Guidelines, 2015. Collection method: clinical testing. Allele origin: germline. Affected: yes.